The following is an entry in ClinVar:

NM_007046.4(EMILIN1):c.2413C>T (p.His805Tyr)

Gene: EMILIN1 (elastin microfibril interfacer 1; plus strand). Cytogenetic location: 2p23.3.
Variant type: single nucleotide variant.
Coding change: c.2413C>T on transcript NM_007046.4 (MANE Select); coding-DNA position 2413, C replaced by T.
Protein change: p.His805Tyr; replaces histidine 805 with tyrosine.
Molecular consequence: missense variant.
Genome position (GRCh38, 1-based): chr2:27,083,984, C>T. VCF-style: chr2-27083984-C-T. GRCh37 (hg19) VCF-style: chr2-27306852-C-T.
Other names: short protein forms H805Y.
Identifiers: ClinVar variation 2630527 (VCV002630527.1), dbSNP rs746388086, ClinGen allele CA1568908.

ClinVar aggregate classification (germline): Uncertain significance (1 of 4 stars; one submission).

Conditions:
EMILIN1-related disorder. Also called: EMILIN1-related condition.

Allele frequency attached by ClinVar (database versions not stated): gnomAD exomes below 0.00001; ExAC 0.00003.

Submission:

PreventionGenetics, part of Exact Sciences
Classification: Uncertain significance for EMILIN1-related condition. Last evaluated: 2023-03-23. Review status: criteria provided, single submitter. Criteria: ACMG Guidelines, 2015. Collection method: clinical testing. Allele origin: germline.
Comment: The EMILIN1 c.2413C>T variant is predicted to result in the amino acid substitution p.His805Tyr. To our knowledge, this variant has not been reported in the literature. This variant is reported in 0.0014% of alleles in individuals of European (Non-Finnish) descent in gnomAD. At this time, the clinical significance of this variant is uncertain due to the absence of conclusive functional and genetic evidence.